The following is an entry in ClinVar:

ClinVar aggregate classification (germline): Uncertain significance (1 of 4 stars; one submission).

Conditions:
KBG syndrome (KBGS). Also called: ANKRD11-Related KBG Syndrome. Identifiers: Orphanet 2332, MedGen C0220687, MONDO:0007846, OMIM 148050.

Submission:

Labcorp Genetics (formerly Invitae), Labcorp
Classification: Uncertain significance for KBG syndrome. Last evaluated: 2024-10-22. Review status: criteria provided, single submitter. Criteria: Invitae Variant Classification Sherloc (09022015). Collection method: clinical testing. Allele origin: germline.
Comment: This sequence change replaces proline, which is neutral and non-polar, with leucine, which is neutral and non-polar, at codon 2211 of the ANKRD11 protein (p.Pro2211Leu). This variant is not present in population databases (gnomAD no frequency). This variant has not been reported in the literature in individuals affected with ANKRD11-related conditions. Invitae Evidence Modeling of protein sequence and biophysical properties (such as structural, functional, and spatial information, amino acid conservation, physicochemical variation, residue mobility, and thermodynamic stability) indicates that this missense variant is not expected to disrupt ANKRD11 protein function with a negative predictive value of 95%. In summary, the available evidence is currently insufficient to determine the role of this variant in disease. Therefore, it has been classified as a Variant of Uncertain Significance.

NM_013275.6(ANKRD11):c.6632C>T (p.Pro2211Leu)

Gene: ANKRD11 (ankyrin repeat domain 11; minus strand). Cytogenetic location: 16q24.3.
Variant type: single nucleotide variant.
Coding change: c.6632C>T on transcript NM_013275.6 (MANE Select); coding-DNA position 6632, C replaced by T.
Protein change: p.Pro2211Leu; replaces proline 2211 with leucine.
Molecular consequence: missense variant.
Genome position (GRCh38, 1-based): chr16:89,279,910, G>A on the plus strand (C>T on the coding strand, the complement: ANKRD11 is on the minus strand). VCF-style: chr16-89279910-G-A. GRCh37 (hg19) VCF-style: chr16-89346318-G-A.
Other names: c.6632C>T, p.Pro2211Leu (NM_001256182.2, NM_001256183.2); short protein forms P2211L.
Identifiers: ClinVar variation 3637129 (VCV003637129.2).
Genomic context (GRCh38, chr16:89,279,910, plus strand): 5'-GCCCTCTCTTCCGGCACCGTCTCCGCCTCCACCGCAGCTTCTAGAGCCACGTCCAGCTTT[G>A]GCTCCCCTGAGGGCTCAGGCTCGAGCTCTGCAGGGAGCCGGGTGGAGGCCTGGTCAGGAG-3'
Protein context (NP_037407.4, residues 2201-2221): AELEPEPSGE[Pro2211Leu]KLDVALEAAV